The following is an entry in ClinVar:

ClinVar aggregate classification (germline): Likely benign. Review status: criteria provided, multiple submitters, no conflicts (2 of 4 stars). 2 submissions from 2 submitters: Likely benign (2). Last evaluated 2024-07-01.

Allele frequency attached by ClinVar (database versions not stated): TOPMed 0.00001; ExAC 0.00003; gnomAD 0.00004; ESP Exome Variant Server 0.00008.
gnomAD v4.1: 37 of 1,614,074 alleles (0.0023%); highest among the groups gnomAD compares: Middle Eastern, 0.083%; no homozygotes.

Submissions (2):

CeGaT Center for Human Genetics Tuebingen
Classification: Likely benign. Last evaluated: 2024-07-01. Review status: criteria provided, single submitter. Criteria: CeGaT Center For Human Genetics Tuebingen Variant Classification Criteria Version 2. Collection method: clinical testing. Allele origin: germline. Affected: yes. Observed: 1 variant allele.
Comment: SIN3A: BP4, BP7

Labcorp Genetics (formerly Invitae), Labcorp
Classification: Likely benign. Last evaluated: 2024-06-12. Review status: criteria provided, single submitter. Criteria: Invitae Variant Classification Sherloc (09022015). Collection method: clinical testing. Allele origin: germline.

NM_001145358.2(SIN3A):c.1095C>A (p.Leu365=)

Gene: SIN3A (SIN3 transcription regulator family member A; minus strand). Cytogenetic location: 15q24.2.
Variant type: single nucleotide variant.
Coding change: c.1095C>A on transcript NM_001145358.2 (MANE Select); coding-DNA position 1095, C replaced by A.
Protein change: p.Leu365=; no amino-acid change (leucine 365 retained).
Molecular consequence: synonymous variant.
Genome position (GRCh38, 1-based): chr15:75,410,200, G>T on the plus strand (C>A on the coding strand, the complement: SIN3A is on the minus strand). VCF-style: chr15-75410200-G-T. GRCh37 (hg19) VCF-style: chr15-75702541-G-T.
Other names: c.1095C>A, p.Leu365= (NM_001145357.2, NM_015477.3).
Identifiers: ClinVar variation 2721443 (VCV002721443.20), dbSNP rs149481332, ClinGen allele CA7667746.